The following is an entry in ClinVar:

NM_005765.3(ATP6AP2):c.408G>A (p.Met136Ile)

Gene: ATP6AP2 (ATPase H+ transporting accessory protein 2; plus strand). Cytogenetic location: Xp11.4.
Variant type: single nucleotide variant.
Coding change: c.408G>A on transcript NM_005765.3 (MANE Select); coding-DNA position 408, G replaced by A.
Protein change: p.Met136Ile; replaces methionine 136 with isoleucine.
Molecular consequence: missense variant.
Genome position (GRCh38, 1-based): chrX:40,597,538, G>A. VCF-style: chrX-40597538-G-A. GRCh37 (hg19) VCF-style: chrX-40456790-G-A.
Other names: short protein forms M136I.
Identifiers: ClinVar variation 465129 (VCV000465129.9), dbSNP rs1555977799, ClinGen allele CA412755569.

ClinVar aggregate classification (germline): Uncertain significance (1 of 4 stars; one submission).

Conditions:
Intellectual developmental disorder, X-linked, syndromic, Hedera type. Also called: Syndromic X-linked intellectual disability Hedera type. Identifiers: Orphanet 93952, MedGen C1845543, MONDO:0010319, OMIM 300423.

Allele frequency attached by ClinVar (database versions not stated): gnomAD exomes below 0.00001.

Submission:

Labcorp Genetics (formerly Invitae), Labcorp
Classification: Uncertain significance for Intellectual developmental disorder, X-linked, syndromic, Hedera type. Last evaluated: 2025-10-22. Review status: criteria provided, single submitter. Criteria: Invitae Variant Classification Sherloc (09022015). Collection method: clinical testing. Allele origin: germline.
Comment: This sequence change replaces methionine, which is neutral and non-polar, with isoleucine, which is neutral and non-polar, at codon 136 of the ATP6AP2 protein (p.Met136Ile). This variant is not present in population databases (gnomAD no frequency). This variant has not been reported in the literature in individuals affected with ATP6AP2-related conditions. ClinVar contains an entry for this variant (Variation ID: 465129). An algorithm developed to predict the effect of missense changes on protein structure and function (PolyPhen-2) suggests that this variant is likely to be tolerated. In summary, the available evidence is currently insufficient to determine the role of this variant in disease. Therefore, it has been classified as a Variant of Uncertain Significance.